The following is an entry in ClinVar:

NM_001379200.1(TBX1):c.1040_1041del (p.Ala347fs)

Gene: TBX1 (T-box transcription factor 1; plus strand). Cytogenetic location: 22q11.21.
Variant type: Microsatellite.
Coding change: c.1040_1041del on transcript NM_001379200.1 (MANE Select); coding-DNA positions 1040 to 1041, 2 bases deleted (CG; older notation c.1040_1041delCG).
Protein change: p.Ala347fs; shifts the reading frame from alanine 347.
Molecular consequence: frameshift variant. On other transcripts: intron variant (2).
Genome position (GRCh38, 1-based): chr22:19,766,392-19,766,393, CG deleted; deleting any 2 consecutive bases within chr22:19,766,390-19,766,393 gives the same sequence; the c. name uses the placement nearest the transcript's 3' end. VCF-style (leftmost placement, unchanged base first): chr22-19766389-ACG-A. GRCh37 (hg19) VCF-style: chr22-19753912-ACG-A.
Other names: c.1013_1014del, p.Ala338fs (NM_080647.1); c.1009+390_1009+391del (NM_005992.1, NM_080646.2); short protein forms A338fs, A347fs.
Identifiers: ClinVar variation 4823621 (VCV004823621.4).

ClinVar aggregate classification (germline): Likely pathogenic (1 of 4 stars; one submission).

Submission:

CeGaT Center for Human Genetics Tuebingen
Classification: Likely pathogenic. Last evaluated: 2026-02-01. Review status: criteria provided, single submitter. Criteria: CeGaT Center For Human Genetics Tuebingen Variant Classification Criteria Version 2. Collection method: clinical testing. Allele origin: germline. Affected: yes. Observed: 1 variant allele.
Comment: TBX1: PVS1:Strong, PM2